The following is an entry in ClinVar:

ClinVar aggregate classification (germline): Pathogenic/Likely pathogenic. Review status: criteria provided, multiple submitters, no conflicts (2 of 4 stars). 2 submissions from 2 submitters: Pathogenic (1); Likely pathogenic (1). Last evaluated 2025-03-21.

Conditions:
TSC2-related disorder. Also called: TSC2-related condition; TSC2-Related Disorders.

Submissions (2):

PreventionGenetics, part of Exact Sciences
Classification: Pathogenic for TSC2-related condition. Last evaluated: 2025-03-21. Review status: criteria provided, single submitter. Criteria: ACMG Guidelines, 2015. Collection method: clinical testing. Allele origin: germline.
Comment: The TSC2 c.2062delC variant is predicted to result in a frameshift and premature protein termination (p.Leu688Cysfs*10). To our knowledge, this variant has not been reported in the literature or in a large population database (gnomAD), indicating this variant is rare. At the time of reporting this variant is absent in ClinVar. Frameshift variants in TSC2 are expected to be pathogenic. This variant is interpreted as pathogenic.

Blueprint Genetics
Classification: Likely pathogenic for TSC2-related disorders. Last evaluated: 2019-06-06. Review status: criteria provided, single submitter. Criteria: ACMG Guidelines, 2015. Collection method: clinical testing. Allele origin: germline. Affected: yes. Observed: 1 variant allele.

NM_000548.5(TSC2):c.2062del (p.Leu688fs)

Gene: TSC2 (TSC complex subunit 2; plus strand). Cytogenetic location: 16p13.3.
Variant type: Deletion.
Coding change: c.2062del on transcript NM_000548.5 (MANE Select); coding-DNA position 2062, one base deleted (C; older notation c.2062delC).
Protein change: p.Leu688fs; shifts the reading frame from leucine 688.
Molecular consequence: frameshift variant. On other transcripts: non-coding transcript variant (5).
Genome position (GRCh38, 1-based): chr16:2,071,899, C deleted; the last of 3 consecutive C bases (chr16:2,071,897-2,071,899); deleting any one gives the same sequence. VCF-style (leftmost placement, unchanged base first): chr16-2071896-TC-T. GRCh37 (hg19) VCF-style: chr16-2121897-TC-T.
Other names: c.2062delC (NM_000548.4); c.2062del, p.Leu688fs (NM_001077183.3, NM_001114382.3, NM_001363528.2 and 6 more transcripts); c.1951del, p.Leu651fs (NM_001318827.2, NM_001406670.1, NM_001406678.1); c.1915del, p.Leu639fs (NM_001318829.2, NM_001406675.1, NM_001406676.1 and 1 more transcripts); c.1462del, p.Leu488fs (NM_001318831.2, NM_001406680.1, NM_001406682.1 and 6 more transcripts); c.2095del, p.Leu699fs (NM_001318832.2); c.2152del, p.Leu718fs (NM_001406667.1, NM_001406668.1); c.2050del, p.Leu684fs (NM_001406671.1, NM_001406673.1); and 4 more; short protein forms L240fs, L651fs, L684fs, L688fs, L699fs, L488fs, L639fs, L154fs.
Identifiers: ClinVar variation 4927444 (VCV004927444.2).
Genomic context (GRCh38, chr16:2,071,896, plus strand): 5'-ACAGGGCCTCCTGGCCCGGCGCCTGCAGGCCCCGCCGTGCGGCTGGGGTCCGTGCCCTAC[TC>T]CCTGCTCTTCCGCGTCCTGCTGCAGTGCTTGAAGCAGGTGAGTGGGGCCGGGCAGGGACC-3'